The following is an entry in ClinVar:

ClinVar aggregate classification (germline): Uncertain significance (0 of 4 stars; one submission).

Conditions:
MC3R-related disorder. Also called: MC3R-related condition.

gnomAD v4.1: 6 of 1,613,518 alleles (0.00037%); highest among the groups gnomAD compares: Middle Eastern, 0.017%; no homozygotes.

Submission:

PreventionGenetics, part of Exact Sciences
Classification: Uncertain significance for MC3R-related condition. Last evaluated: 2024-06-12. Review status: no assertion criteria provided. Collection method: clinical testing. Allele origin: germline.
Comment: The MC3R c.718G>T variant is predicted to result in the amino acid substitution p.Gly240Trp. This variant is reported in 0.0087% of alleles in individuals of Latino descent in gnomAD. At this time, the clinical significance of this variant is uncertain due to the absence of conclusive functional and genetic evidence.

NM_019888.3(MC3R):c.718G>T (p.Gly240Trp)

Gene: MC3R (melanocortin 3 receptor; plus strand). Cytogenetic location: 20q13.2.
Variant type: single nucleotide variant.
Coding change: c.718G>T on transcript NM_019888.3 (MANE Select); coding-DNA position 718, G replaced by T.
Protein change: p.Gly240Trp; replaces glycine 240 with tryptophan.
Molecular consequence: missense variant.
Genome position (GRCh38, 1-based): chr20:56,249,561, G>T. VCF-style: chr20-56249561-G-T. GRCh37 (hg19) VCF-style: chr20-54824617-G-T.
Other names: short protein forms G240W.
Identifiers: ClinVar variation 3355493 (VCV003355493.1).